The following is an entry in ClinVar:

NM_000038.6(APC):c.6056T>C (p.Val2019Ala)

Gene: APC (APC regulator of Wnt signaling pathway; plus strand). Cytogenetic location: 5q22.2.
Variant type: single nucleotide variant.
Coding change: c.6056T>C on transcript NM_000038.6 (MANE Select); coding-DNA position 6056, T replaced by C.
Protein change: p.Val2019Ala; replaces valine 2019 with alanine.
Molecular consequence: missense variant.
Genome position (GRCh38, 1-based): chr5:112,841,650, T>C. VCF-style: chr5-112841650-T-C. GRCh37 (hg19) VCF-style: chr5-112177347-T-C.
Other names: c.6056T>C, p.Val2019Ala (NM_001127510.3, NM_001354895.2); c.6002T>C, p.Val2001Ala (NM_001127511.3); c.6110T>C, p.Val2037Ala (NM_001354896.2); c.6086T>C, p.Val2029Ala (NM_001354897.2); c.5981T>C, p.Val1994Ala (NM_001354898.2); c.5972T>C, p.Val1991Ala (NM_001354899.2); c.5933T>C, p.Val1978Ala (NM_001354900.2); c.5879T>C, p.Val1960Ala (NM_001354901.2); and 5 more; short protein forms V1859A, V1893A, V1978A, V2001A, V2019A, V1736A, V1918A, V1960A.
Identifiers: ClinVar variation 662113 (VCV000662113.11), dbSNP rs1580667193, ClinGen allele CA16034584.

ClinVar aggregate classification (germline): Uncertain significance. Review status: criteria provided, multiple submitters, no conflicts (2 of 4 stars). 2 submissions from 2 submitters: Uncertain significance (2). Last evaluated 2024-05-30.

Conditions:
Hereditary cancer-predisposing syndrome. Also called: Neoplastic Syndromes, Hereditary; Tumor predisposition; Hereditary neoplastic syndrome; Hereditary Cancer Syndrome. Identifiers: Orphanet 140162, MedGen C0027672, MeSH D009386, MONDO:0015356.
Familial adenomatous polyposis 1 (FAP1). Also called: FAMILIAL ADENOMATOUS POLYPOSIS 1, ATTENUATED; POLYPOSIS, ADENOMATOUS INTESTINAL. Identifiers: MedGen C2713442, MONDO:0021056, OMIM 175100. Disease mechanism: loss of function.

Submissions (2):

Ambry Genetics
Classification: Uncertain significance for Hereditary cancer-predisposing syndrome. Last evaluated: 2024-05-30. Review status: criteria provided, single submitter. Criteria: Ambry Variant Classification Scheme 2023. Collection method: clinical testing. Allele origin: germline.
Comment: The p.V2019A variant (also known as c.6056T>C), located in coding exon 15 of the APC gene, results from a T to C substitution at nucleotide position 6056. The valine at codon 2019 is replaced by alanine, an amino acid with similar properties. This amino acid position is highly conserved in available vertebrate species. In addition, in silico predictors for this gene do not accurately predict pathogenicity. Missense alterations in APC are not a common cause of disease (Spier I et al. Genet Med. 2024 Feb;26(2):100992). Based on the available evidence, the clinical significance of this variant remains unclear.

Labcorp Genetics (formerly Invitae), Labcorp
Classification: Uncertain significance for Familial adenomatous polyposis 1. Last evaluated: 2021-06-11. Review status: criteria provided, single submitter. Criteria: Invitae Variant Classification Sherloc (09022015). Collection method: clinical testing. Allele origin: germline.
Comment: In summary, the available evidence is currently insufficient to determine the role of this variant in disease. Therefore, it has been classified as a Variant of Uncertain Significance. Algorithms developed to predict the effect of missense changes on protein structure and function (SIFT, PolyPhen-2, Align-GVGD) all suggest that this variant is likely to be disruptive, but these predictions have not been confirmed by published functional studies and their clinical significance is uncertain. This variant has not been reported in the literature in individuals with APC-related disease. This variant is not present in population databases (ExAC no frequency). This sequence change replaces valine with alanine at codon 2019 of the APC protein (p.Val2019Ala). The valine residue is highly conserved and there is a small physicochemical difference between valine and alanine.